The following is an entry in ClinVar:

NC_012920.1(MT-CO2):m.7898T>C

Gene: MT-CO2 (mitochondrially encoded cytochrome c oxidase II; plus strand).
Variant type: single nucleotide variant.
Genome position: chrM-7898-T-C.
Identifiers: ClinVar variation 692793 (VCV000692793.1), dbSNP rs1603221199, ClinGen allele CA414794157.

ClinVar aggregate classification (germline): Uncertain significance (1 of 4 stars; one submission).

Conditions:
Leigh syndrome (NULS). Also called: Leigh's necrotizing encephalopathy; Leigh's disease; Leigh Syndrome (mtDNA deletion); Leigh Disease; Subacute necrotizing encephalopathy; Necrotizing encephalopathy infantile subacute of Leigh. Identifiers: Orphanet 506, MedGen C2931891, MONDO:0009723, OMIM 256000.

Submission:

Wong Mito Lab, Molecular and Human Genetics, Baylor College of Medicine
Classification: Uncertain significance for Leigh syndrome. Last evaluated: 2019-10-17. Review status: criteria provided, single submitter. Criteria: Modified ACMG Guidelines (Unpublished). Collection method: clinical testing. Allele origin: germline.
Comment: The NC_012920.1:m.7898T>C (YP_003024029.1:p.Tyr105His) variant in MTCO2 gene is interpretated to be a Uncertain Significance variant based on the modified ACMG guidelines (unpublished). This variant meets the following evidence codes: PP6